The following is an entry in ClinVar:

NM_000349.3(STAR):c.203del (p.Tyr68fs)

Gene: STAR (steroidogenic acute regulatory protein; minus strand). Cytogenetic location: 8p11.23.
Variant type: Deletion.
Coding change: c.203del on transcript NM_000349.3 (MANE Select); coding-DNA position 203, one base deleted (A; older notation c.203delA).
Protein change: p.Tyr68fs; shifts the reading frame from tyrosine 68.
Molecular consequence: frameshift variant.
Genome position (GRCh38, 1-based): chr8:38,148,303, T deleted on the plus strand (A on the coding strand, the reverse complement: STAR is on the minus strand). VCF-style (leftmost placement, unchanged base first): chr8-38148302-GT-G. GRCh37 (hg19) VCF-style: chr8-38005820-GT-G.
Other names: short protein forms Y68fs.
Identifiers: ClinVar variation 1726348 (VCV001726348.2), dbSNP rs2487067650, ClinGen allele CA2580078237.

ClinVar aggregate classification (germline): Likely pathogenic (1 of 4 stars; one submission).

Conditions:
Congenital lipoid adrenal hyperplasia due to STAR deficency. Also called: Lipoid adrenal hyperplasia; Congenital Lipoid Adrenal Hyperplasia; Cholesterol monooxygenase (side-chain cleaving) deficiency; ADRENAL HYPERPLASIA I. Identifiers: Orphanet 418, Orphanet 90790, MedGen C0342474, MONDO:0008725, OMIM 201710.

Submission:

Myriad Genetics, Inc.
Classification: Likely pathogenic for Congenital lipoid adrenal hyperplasia due to STAR deficency. Last evaluated: 2021-12-16. Review status: criteria provided, single submitter. Criteria: Myriad Women's Health Autosomal Recessive and X-Linked Classification Criteria (2021). Collection method: clinical testing. Allele origin: unknown.
Comment: NM_000349.2(STAR):c.203delA(Y68Sfs*41) is expected to be pathogenic in the context of lipoid congenital adrenal hyperplasia. This variant is predicted to lead to an abnormal or absent protein product due to the creation of a premature termination codon in STAR, a gene where loss-of-function variants are known to be pathogenic. Please note: this variant was assessed in the context of healthy population screening.